The following is an entry in ClinVar:

NM_052945.4(TNFRSF13C):c.478A>G (p.Ser160Gly)

Gene: TNFRSF13C (TNF receptor superfamily member 13C; minus strand). Cytogenetic location: 22q13.2.
Variant type: single nucleotide variant.
Coding change: c.478A>G on transcript NM_052945.4 (MANE Select); coding-DNA position 478, A replaced by G.
Protein change: p.Ser160Gly; replaces serine 160 with glycine.
Molecular consequence: missense variant.
Genome position (GRCh38, 1-based): chr22:41,925,444, T>C on the plus strand (A>G on the coding strand, the complement: TNFRSF13C is on the minus strand). VCF-style: chr22-41925444-T-C. GRCh37 (hg19) VCF-style: chr22-42321448-T-C.
Other names: short protein forms S160G.
Identifiers: ClinVar variation 575709 (VCV000575709.10), dbSNP rs1569421592, ClinGen allele CA411762482.
Genomic context (GRCh38, chr22:41,925,444, plus strand): 5'-CGGCCGTCTTGGTGGTCACCAGTTCAGTGGAGCCCAGCTCTGTGGCTGGCACAGGGACAC[T>C]GTGGCCAGGTGGGGTGGTTCCTGGGTCTTCCCCAGGAGGAGGCCAGGCAGGAGCTGTGGC-3'
Protein context (NP_443177.1, residues 150-170): EDPGTTPPGH[Ser160Gly]VPVPATELGS

ClinVar aggregate classification (germline): Uncertain significance (1 of 4 stars; one submission).

Conditions:
Immunodeficiency, common variable, 4. Also called: ANTIBODY DEFICIENCY DUE TO BAFFR DEFECT. Identifiers: Orphanet 1572, Orphanet 696925, MedGen C3150739, MONDO:0013284, OMIM 613494.

Submission:

Labcorp Genetics (formerly Invitae), Labcorp
Classification: Uncertain significance for Immunodeficiency, common variable, 4. Last evaluated: 2019-06-21. Review status: criteria provided, single submitter. Criteria: Invitae Variant Classification Sherloc (09022015). Collection method: clinical testing. Allele origin: germline.
Comment: This sequence change replaces serine with glycine at codon 160 of the TNFRSF13C protein (p.Ser160Gly). The serine residue is highly conserved and there is a small physicochemical difference between serine and glycine. This variant is not present in population databases (ExAC no frequency). This variant has not been reported in the literature in individuals with TNFRSF13C-related disease. Algorithms developed to predict the effect of missense changes on protein structure and function (SIFT, PolyPhen-2, Align-GVGD) all suggest that this variant is likely to be disruptive, but these predictions have not been confirmed by published functional studies and their clinical significance is uncertain. In summary, the available evidence is currently insufficient to determine the role of this variant in disease. Therefore, it has been classified as a Variant of Uncertain Significance.